The following is an entry in ClinVar:

ClinVar aggregate classification (germline): Uncertain significance (1 of 4 stars; one submission).

Submission:

GeneDx
Classification: Uncertain significance. Last evaluated: 2022-06-02. Review status: criteria provided, single submitter. Criteria: GeneDx Variant Classification Process June 2021. Collection method: clinical testing. Allele origin: germline. Affected: yes.
Comment: In silico analysis supports that this variant does not alter protein structure/function; Has not been previously published as pathogenic or benign to our knowledge

NM_015466.4(PTPN23):c.2143_2144delinsCC (p.Lys715Pro)

Gene: PTPN23 (protein tyrosine phosphatase non-receptor type 23; plus strand). Cytogenetic location: 3p21.31.
Variant type: Indel.
Coding change: c.2143_2144delinsCC on transcript NM_015466.4 (MANE Select); coding-DNA positions 2143 to 2144, AA replaced by CC.
Protein change: p.Lys715Pro; replaces lysine 715 with proline.
Molecular consequence: missense variant.
Genome position (GRCh38, 1-based): chr3:47,409,941-47,409,942, AA replaced by CC. VCF-style: chr3-47409941-AA-CC. GRCh37 (hg19) VCF-style: chr3-47451431-AA-CC.
Other names: c.1765_1766delinsCC, p.Lys589Pro (NM_001304482.2); short protein forms K589P, K715P.
Identifiers: ClinVar variation 1801858 (VCV001801858.1), dbSNP rs2546248927, ClinGen allele CA2580069895.
Genomic context (GRCh38, chr3:47,409,941, plus strand): 5'-TGGGGTGATGGGAGCCTGGCCCCACTTTTTCCTTGCCTGTCGCACAGGGAGCTGAAGAAG[AA>CC]GCCGCCGCCACGGCCCACAGCCCCAAAGCCGCTGCTGCCCCGCAGGGAGGAGAGTGAGGC-3'
Protein context (NP_056281.1, residues 705-725): QQLLDRELKK[Lys715Pro]PPPRPTAPKP